The following is an entry in ClinVar:

ClinVar aggregate classification (germline): Uncertain significance. Review status: criteria provided, multiple submitters, no conflicts (2 of 4 stars). 3 submissions from 3 submitters: Uncertain significance (3). Last evaluated 2024-12-02.

Conditions:
Inborn genetic diseases. Identifiers: MedGen C0950123, MeSH D030342.
Pulmonary hypertension, primary, 1 (PPH1). Also called: Pulmonary hypertension, familial primary, 1, with or without HHT. Identifiers: Orphanet 422, MedGen C4552070, MONDO:0024533, OMIM 178600.

Submissions (3):

Ambry Genetics
Classification: Uncertain significance for Inborn genetic diseases. Last evaluated: 2024-12-02. Review status: criteria provided, single submitter. Criteria: Ambry Variant Classification Scheme 2023. Collection method: clinical testing. Allele origin: germline.
Comment: The p.F417C variant (also known as c.1250T>G), located in coding exon 9 of the BMPR2 gene, results from a T to G substitution at nucleotide position 1250. The phenylalanine at codon 417 is replaced by cysteine, an amino acid with highly dissimilar properties. This amino acid position is conserved. In addition, this alteration is predicted to be deleterious by in silico analysis. Based on the available evidence, the clinical significance of this variant remains unclear.

GeneDx
Classification: Uncertain significance. Last evaluated: 2022-11-25. Review status: criteria provided, single submitter. Criteria: GeneDx Variant Classification Process June 2021. Collection method: clinical testing. Allele origin: germline. Affected: yes.
Comment: Not observed at significant frequency in large population cohorts (gnomAD); In silico analysis supports that this missense variant does not alter protein structure/function; Has not been previously published as pathogenic or benign to our knowledge

Johns Hopkins Genomics, Johns Hopkins University
Classification: Uncertain significance for Pulmonary hypertension, primary, 1. Last evaluated: 2022-10-28. Review status: criteria provided, single submitter. Criteria: ACMG Guidelines, 2015. Collection method: clinical testing. Allele origin: germline.
Comment: This BMPR2 missense variant is absent from a large population dataset and has not been reported in ClinVar nor the literature, to our knowledge. Two bioinformatic tools queried predict that this substitution would be damaging, and the phenylalanine residue at this position is evolutionarily conserved across most of the species assessed. We consider the clinical significance of c.1250T>G in BMPR2 to be uncertain at this time.

Literature cited by the submitters: PubMed 28391780 (cited by Johns Hopkins Genomics, Johns Hopkins University).

NM_001204.7(BMPR2):c.1250T>G (p.Phe417Cys)

Gene: BMPR2 (bone morphogenetic protein receptor type 2; plus strand). Cytogenetic location: 2q33.2.
Variant type: single nucleotide variant.
Coding change: c.1250T>G on transcript NM_001204.7 (MANE Select); coding-DNA position 1250, T replaced by G.
Protein change: p.Phe417Cys; replaces phenylalanine 417 with cysteine.
Molecular consequence: missense variant.
Genome position (GRCh38, 1-based): chr2:202,532,706, T>G. VCF-style: chr2-202532706-T-G. GRCh37 (hg19) VCF-style: chr2-203397429-T-G.
Other names: short protein forms F417C.
Identifiers: ClinVar variation 2443070 (VCV002443070.3), dbSNP rs2468703962, ClinGen allele CA350341957.
Genomic context (GRCh38, chr2:202,532,706, plus strand): 5'-GTGAATCAGCTTTGAAACAAGTAGACATGTATGCTCTTGGACTAATCTATTGGGAGATAT[T>G]TATGAGATGTACAGACCTCTTCCCAGGTAAAAACTACTGTCAAAAGTTGATATTTTTTGA-3'
Protein context (NP_001195.2, residues 407-427): YALGLIYWEI[Phe417Cys]MRCTDLFPGE